The following is an entry in ClinVar:

ClinVar aggregate classification (germline): Uncertain significance. Review status: criteria provided, multiple submitters, no conflicts (2 of 4 stars). 3 submissions from 3 submitters: Uncertain significance (3). Last evaluated 2026-06-01.

Conditions:
Desmoid disease, hereditary (DESMD). Also called: FIBROMATOSIS, FAMILIAL INFILTRATIVE. Identifiers: Orphanet 873, MedGen C1851124, OMIM 135290. Disease mechanism: loss of function.
Familial adenomatous polyposis 1 (FAP1). Also called: FAMILIAL ADENOMATOUS POLYPOSIS 1, ATTENUATED; POLYPOSIS, ADENOMATOUS INTESTINAL. Identifiers: MedGen C2713442, MONDO:0021056, OMIM 175100. Disease mechanism: loss of function.
Hereditary cancer-predisposing syndrome. Also called: Tumor predisposition; Hereditary Cancer Syndrome; Hereditary neoplastic syndrome; Neoplastic Syndromes, Hereditary. Identifiers: Orphanet 140162, MedGen C0027672, MeSH D009386, MONDO:0015356.

Submissions (3):

Ambry Genetics
Classification: Uncertain significance for Hereditary cancer-predisposing syndrome. Last evaluated: 2026-06-01. Review status: criteria provided, single submitter. Criteria: Ambry Variant Classification Scheme 2023. Collection method: clinical testing. Allele origin: germline.
Comment: The p.S2468L variant (also known as c.7403C>T), located in coding exon 15 of the APC gene, results from a C to T substitution at nucleotide position 7403. The serine at codon 2468 is replaced by leucine, an amino acid with dissimilar properties. This amino acid position is highly conserved in available vertebrate species. In addition, in silico predictors for this gene do not accurately predict pathogenicity. Missense variants in APC are not a common cause of disease (Spier I et al. Genet Med. 2024 Feb;26(2):100992). Based on the available evidence, the clinical significance of this variant remains unclear.

Labcorp Genetics (formerly Invitae), Labcorp
Classification: Uncertain significance for Familial adenomatous polyposis 1. Last evaluated: 2025-04-10. Review status: criteria provided, single submitter. Criteria: Invitae Variant Classification Sherloc (09022015). Collection method: clinical testing. Allele origin: germline.
Comment: This sequence change replaces serine, which is neutral and polar, with leucine, which is neutral and non-polar, at codon 2468 of the APC protein (p.Ser2468Leu). This variant is not present in population databases (gnomAD no frequency). This variant has not been reported in the literature in individuals affected with APC-related conditions. ClinVar contains an entry for this variant (Variation ID: 2431865). Invitae Evidence Modeling of protein sequence and biophysical properties (such as structural, functional, and spatial information, amino acid conservation, physicochemical variation, residue mobility, and thermodynamic stability) indicates that this missense variant is not expected to disrupt APC protein function with a negative predictive value of 95%. In summary, the available evidence is currently insufficient to determine the role of this variant in disease. Therefore, it has been classified as a Variant of Uncertain Significance.

Laboratorio de Genetica e Diagnostico Molecular, Hospital Israelita Albert Einstein
Classification: Uncertain significance for Desmoid disease, hereditary. Last evaluated: 2022-07-01. Review status: criteria provided, single submitter. Criteria: ACMG Guidelines, 2015. Collection method: clinical testing. Allele origin: germline. Affected: yes. Observed: 1 variant allele.
Comment: ACMG classification criteria: PM2 moderated, BP4 supporting

NM_000038.6(APC):c.7403C>T (p.Ser2468Leu)

Gene: APC (APC regulator of Wnt signaling pathway; plus strand). Cytogenetic location: 5q22.2.
Variant type: single nucleotide variant.
Coding change: c.7403C>T on transcript NM_000038.6 (MANE Select); coding-DNA position 7403, C replaced by T.
Protein change: p.Ser2468Leu; replaces serine 2468 with leucine.
Molecular consequence: missense variant.
Genome position (GRCh38, 1-based): chr5:112,842,997, C>T. VCF-style: chr5-112842997-C-T. GRCh37 (hg19) VCF-style: chr5-112178694-C-T.
Other names: c.7403C>T (NM_000038.5); c.7403C>T, p.Ser2468Leu (NM_001127510.3, NM_001354895.2, NM_001407450.1); c.7349C>T, p.Ser2450Leu (NM_001127511.3); c.7457C>T, p.Ser2486Leu (NM_001354896.2, NM_001407447.1, NM_001407448.1 and 1 more transcripts); c.7433C>T, p.Ser2478Leu (NM_001354897.2); c.7328C>T, p.Ser2443Leu (NM_001354898.2); c.7319C>T, p.Ser2440Leu (NM_001354899.2); c.7280C>T, p.Ser2427Leu (NM_001354900.2); and 12 more; short protein forms S2084L, S2185L, S2308L, S2339L, S2342L, S2367L, S2377L, S2385L.
Identifiers: ClinVar variation 2431865 (VCV002431865.5), dbSNP rs1218259827, ClinGen allele CA16037448.